The following is an entry in ClinVar:

NM_001040108.2(MLH3):c.1760C>A (p.Ser587Tyr)

Gene: MLH3 (mutL homolog 3; minus strand). Cytogenetic location: 14q24.3.
Variant type: single nucleotide variant.
Coding change: c.1760C>A on transcript NM_001040108.2 (MANE Select); coding-DNA position 1760, C replaced by A.
Protein change: p.Ser587Tyr; replaces serine 587 with tyrosine.
Molecular consequence: missense variant.
Genome position (GRCh38, 1-based): chr14:75,047,896, G>T on the plus strand (C>A on the coding strand, the complement: MLH3 is on the minus strand). VCF-style: chr14-75047896-G-T. GRCh37 (hg19) VCF-style: chr14-75514599-G-T.
Other names: c.1760C>A, p.Ser587Tyr (NM_014381.3); short protein forms S587Y.
Identifiers: ClinVar variation 1779569 (VCV001779569.3), dbSNP rs764432021, ClinGen allele CA7275822.

ClinVar aggregate classification (germline): Uncertain significance (1 of 4 stars; one submission).

Allele frequency attached by ClinVar (database versions not stated): gnomAD exomes below 0.00001; ExAC 0.00001.
gnomAD v4.1: 1 of 1,613,208 alleles (0.000062%); highest among the groups gnomAD compares: Admixed American, 0.0017%; no homozygotes.

Submission:

Ambry Genetics
Classification: Uncertain significance. Last evaluated: 2024-09-30. Review status: criteria provided, single submitter. Criteria: Ambry Variant Classification Scheme 2023. Collection method: clinical testing. Allele origin: germline.
Comment: The p.S587Y variant (also known as c.1760C>A), located in coding exon 1 of the MLH3 gene, results from a C to A substitution at nucleotide position 1760. The serine at codon 587 is replaced by tyrosine, an amino acid with dissimilar properties. This amino acid position is conserved. In addition, this alteration is predicted to be tolerated by in silico analysis. Since supporting evidence is limited at this time, the clinical significance of this alteration remains unclear.